The following is an entry in ClinVar:

ClinVar aggregate classification (germline): Uncertain significance (1 of 4 stars; one submission).

Conditions:
Classic or attenuated familial adenomatous polyposis. Identifiers: MedGen CN372698, MONDO:0021057.

Submission:

All of Us Research Program, National Institutes of Health
Classification: Uncertain significance for Classic or attenuated familial adenomatous polyposis. Last evaluated: 2023-02-15. Review status: criteria provided, single submitter. Criteria: ACMG Guidelines, 2015. Collection method: clinical testing. Allele origin: germline. Inheritance: Autosomal dominant inheritance. Observed: 1 variant allele, 1 heterozygote.
Comment: This missense variant replaces serine with threonine at codon 1104 of the APC protein. Computational prediction suggests that this variant may not impact protein structure and function (internally defined REVEL score threshold <= 0.5, PMID: 27666373). To our knowledge, functional studies have not been reported for this variant. This variant has not been reported in individuals affected with hereditary cancer in the literature. This variant has not been identified in the general population by the Genome Aggregation Database (gnomAD). The available evidence is insufficient to determine the role of this variant in disease conclusively. Therefore, this variant is classified as a Variant of Uncertain Significance.

This study involves interpretation of variants in research participants for the purpose of population health screening. Participant phenotype was not available at the time of variant classification. Additional details can be found in publication PMID: 35346344, PMCID: PMC8962531

NM_000038.6(APC):c.3310T>A (p.Ser1104Thr)

Gene: APC (APC regulator of WNT signaling pathway; plus strand). Cytogenetic location: 5q22.2.
Variant type: single nucleotide variant.
Coding change: c.3310T>A on transcript NM_000038.6 (MANE Select); coding-DNA position 3310, T replaced by A.
Protein change: p.Ser1104Thr; replaces serine 1104 with threonine.
Molecular consequence: missense variant. On other transcripts: non-coding transcript variant (2).
Genome position (GRCh38, 1-based): chr5:112,838,904, T>A. VCF-style: chr5-112838904-T-A. GRCh37 (hg19) VCF-style: chr5-112174601-T-A.
Other names: c.3310T>A, p.Ser1104Thr (NM_001127510.3, NM_001354895.2, NM_001407450.1); c.3256T>A, p.Ser1086Thr (NM_001127511.3); c.3364T>A, p.Ser1122Thr (NM_001354896.2, NM_001407447.1, NM_001407448.1 and 1 more transcripts); c.3340T>A, p.Ser1114Thr (NM_001354897.2); c.3235T>A, p.Ser1079Thr (NM_001354898.2); c.3226T>A, p.Ser1076Thr (NM_001354899.2); c.3187T>A, p.Ser1063Thr (NM_001354900.2); c.3133T>A, p.Ser1045Thr (NM_001354901.2, NM_001407453.1); and 11 more; short protein forms S1003T, S1013T, S1021T, S1045T, S1063T, S1076T, S1079T, S1086T.
Identifiers: ClinVar variation 3069432 (VCV003069432.1), dbSNP rs2149889277, ClinGen allele CA16028597.